The following is an entry in ClinVar:

NM_001099857.5(IKBKG):c.1110del (p.Ala371fs)

Gene: IKBKG (inhibitor of nuclear factor kappa B kinase regulatory subunit gamma; plus strand). Cytogenetic location: Xq28.
Variant type: Deletion.
Coding change: c.1110del on transcript NM_001099857.5 (MANE Select); coding-DNA position 1110, one base deleted (C; older notation c.1110delC).
Protein change: p.Ala371fs; shifts the reading frame from alanine 371.
Molecular consequence: frameshift variant. On other transcripts: non-coding transcript variant (1).
Genome position (GRCh38, 1-based): chrX:154,564,013, C deleted; the last of 6 consecutive C bases (chrX:154,564,008-154,564,013); deleting any one gives the same sequence. VCF-style (leftmost placement, unchanged base first): chrX-154564007-GC-G. GRCh37 (hg19) VCF-style: chrX-153792222-GC-G.
Other names: c.1110delC (NM_003639.4); c.1314del, p.Ala439fs (NM_001099856.6); c.813del, p.Ala272fs (NM_001145255.4); c.1110del, p.Ala371fs (NM_001321396.3, NM_001377312.1, NM_003639.4); c.1107del, p.Ala370fs (NM_001321397.3, NM_001377313.1); c.954del, p.Ala319fs (NM_001377314.1); c.741del, p.Ala248fs (NM_001377315.1); short protein forms A248fs, A272fs, A319fs, A370fs, A371fs, A439fs.
Identifiers: ClinVar variation 4848493 (VCV004848493.1).

ClinVar aggregate classification (germline): Pathogenic (1 of 4 stars; one submission).

Conditions:
Incontinentia pigmenti syndrome (IP). Also called: BLOCH-SULZBERGER SYNDROME; INCONTINENTIA PIGMENTI, FAMILIAL MALE-LETHAL TYPE; INCONTINENTIA PIGMENTI, TYPE II; Incontinentia Pigmenti. Identifiers: Orphanet 464, MedGen C0021171, MONDO:0010631, OMIM 308300.

Submission:

Women's Health and Genetics/Laboratory Corporation of America, LabCorp
Classification: Pathogenic for Incontinentia pigmenti syndrome. Last evaluated: 2026-04-16. Review status: criteria provided, single submitter. Criteria: LabCorp Variant Classification Summary - May 2015. Collection method: clinical testing. Allele origin: germline.
Comment: Variant summary: IKBKG c.1110delC (p.Ala371ProfsX80) causes a frameshift which results in an extension of the protein. The variant was absent in 48903 control chromosomes. To our knowledge, no experimental evidence demonstrating an impact on protein function has been reported. A different protein-extending variant with the same termination codon and a downstream start position has been classified as pathogenic (c.1116delT p.(Ala373Profs*78) by our lab, providing evidence that the extension is likely to affect protein function. The following publication has been ascertained in the context of this evaluation (PMID: 18350553). No submitters have cited clinical significance assessments for this variant in ClinVar. Based on the evidence outlined above, the variant was classified as pathogenic.

Literature cited by the submitters: PubMed 18350553.